The following is an entry in ClinVar:

ClinVar aggregate classification (germline): Pathogenic. Review status: criteria provided, multiple submitters, no conflicts (2 of 4 stars). 2 submissions from 2 submitters: Pathogenic (2). Last evaluated 2025-04-01.

Conditions:
FLNC-related disorder. Also called: FLNC-related condition; FLNC-related disorders.

gnomAD v4.1: 1 of 1,613,660 alleles (0.000062%); no homozygotes.

Submissions (2):

CeGaT Center for Human Genetics Tuebingen
Classification: Pathogenic. Last evaluated: 2025-04-01. Review status: criteria provided, single submitter. Criteria: CeGaT Center For Human Genetics Tuebingen Variant Classification Criteria Version 2. Collection method: clinical testing. Allele origin: germline. Affected: yes. Observed: 4 variant alleles.
Comment: FLNC: PVS1, PM2

Blueprint Genetics
Classification: Pathogenic for FLNC-related disorders. Last evaluated: 2024-08-01. Review status: criteria provided, single submitter. Criteria: ACMG Guidelines, 2015. Collection method: clinical testing. Allele origin: germline. Affected: yes. Observed: 5 variant alleles.

NM_001458.5(FLNC):c.4457-1G>C

Gene: FLNC (filamin C; plus strand). Cytogenetic location: 7q32.1.
Variant type: single nucleotide variant.
Coding change: c.4457-1G>C on transcript NM_001458.5 (MANE Select); the canonical splice acceptor site of the intron before coding-DNA position 4457, G replaced by C.
Molecular consequence: splice acceptor variant.
Genome position (GRCh38, 1-based): chr7:128,847,944, G>C. VCF-style: chr7-128847944-G-C. GRCh37 (hg19) VCF-style: chr7-128487998-G-C.
Other names: c.4457-1G>C (NM_001127487.2).
Identifiers: ClinVar variation 3772182 (VCV003772182.14).
Genomic context (GRCh38, chr7:128,847,944, plus strand): 5'-GGGAGGAGGGAGGTGGGGCGGGACGCCCGGAGGCTCTGCTGACCCTGTGCCCCTTGCCCA[G>C]GTGTGGCCGAGCCTGTGGAGGTGCGGGACAATGGAGATGGCACCCACACTGTCCACTACA-3'